The following is an entry in ClinVar:

NM_000017.4(ACADS):c.319C>T (p.Arg107Cys)

Gene: ACADS (acyl-CoA dehydrogenase short chain; plus strand). Cytogenetic location: 12q24.31.
Variant type: single nucleotide variant.
Coding change: c.319C>T on transcript NM_000017.4 (MANE Select); coding-DNA position 319, C replaced by T.
Protein change: p.Arg107Cys; replaces arginine 107 with cysteine.
Molecular consequence: missense variant.
Genome position (GRCh38, 1-based): chr12:120,737,094, C>T. VCF-style: chr12-120737094-C-T. GRCh37 (hg19) VCF-style: chr12-121174897-C-T.
Other names: p.R107C:CGT>TGT; c.319C>T, p.Arg107Cys (NM_001302554.2); short protein forms R107C.
Identifiers: ClinVar variation 3826 (VCV000003826.47), dbSNP rs61732144, ClinGen allele CA312209.

ClinVar aggregate classification (germline): Pathogenic. Review status: criteria provided, multiple submitters, no conflicts (2 of 4 stars). 21 submissions from 21 submitters: Pathogenic (17). 4 of the submissions do not count toward it. Last evaluated 2025-12-06.

Conditions:
ACADS-related disorder. Also called: ACADS-related condition.
Inborn genetic diseases. Identifiers: MedGen C0950123, MeSH D030342.
Deficiency of butyryl-CoA dehydrogenase (ACADSD). Also called: SCAD Deficiency; ACADS DEFICIENCY; SCAD DEFICIENCY, MILD; Short-Chain Acyl-CoA Dehydrogenase Deficiency; SCADH DEFICIENCY; ACYL-CoA DEHYDROGENASE, SHORT-CHAIN, DEFICIENCY OF. Identifiers: Orphanet 26792, MedGen C0342783, MONDO:0008722, OMIM 201470. Disease mechanism: May be benign.

Allele frequency attached by ClinVar (database versions not stated): gnomAD 0.00054 and 0.00055; gnomAD exomes 0.00045 and 0.00097; TOPMed 0.00059; ExAC 0.00106.
gnomAD v4.1: 802 of 1,597,502 alleles (0.05%); highest among the groups gnomAD compares: Non-Finnish European, 0.012%; 9 homozygotes.

Submissions 1 to 10 of 21:

Labcorp Genetics (formerly Invitae), Labcorp
Classification: Pathogenic for Deficiency of butyryl-CoA dehydrogenase. Last evaluated: 2025-12-06. Review status: criteria provided, single submitter. Criteria: Invitae Variant Classification Sherloc (09022015). Collection method: clinical testing. Allele origin: germline.
Comment: This sequence change replaces arginine, which is basic and polar, with cysteine, which is neutral and slightly polar, at codon 107 of the ACADS protein (p.Arg107Cys). This variant is present in population databases (rs61732144, gnomAD 1.9%), and has an allele count higher than expected for a pathogenic variant. This missense change has been observed in individuals with SCAD deficiency (PMID: 18054510, 18523805, 18676165, 22241096). It is commonly reported in individuals of Ashkenazi ancestry (PMID: 18054510, 18523805, 18676165, 22241096). ClinVar contains an entry for this variant (Variation ID: 3826). Invitae Evidence Modeling of protein sequence and biophysical properties (such as structural, functional, and spatial information, amino acid conservation, physicochemical variation, residue mobility, and thermodynamic stability) indicates that this missense variant is expected to disrupt ACADS protein function with a positive predictive value of 80%. Experimental studies have shown that this missense change affects ACADS function (PMID: 18523805, 21170680, 24485985). For these reasons, this variant has been classified as Pathogenic.

PreventionGenetics, part of Exact Sciences
Classification: Pathogenic for ACADS-related condition. Last evaluated: 2025-11-09. Review status: criteria provided, single submitter. Criteria: ACMG Guidelines, 2015. Collection method: clinical testing. Allele origin: germline.
Comment: The ACADS c.319C>T variant is predicted to result in the amino acid substitution p.Arg107Cys. This variant has been reported in the compound heterozygous and homozygous state in multiple affected individuals with short-chain acyl-CoA-dehydrogenase deficiency (Naito et al. 1990. PubMed ID: 1692038; Pedersen et al. 2008. PubMed ID: 18523805; Waisbren et al. 2008. PubMed ID: 18676165; Pena and Burton. 2012. PubMed ID: 22241096; Tein et al. 2008. PubMed ID: 18054510). In vitro functional studies suggests that this variant is deleterious (Pedersen et al. 2008. PubMed ID: 18523805; Edhager et al. 2014 PubMed: 24485985; Tein et al. 2008. PubMed ID: 18054510). This variant is more prevalent in the Ashkenazi Jewish population indicating a founder effect (Tein et al. 2008. PubMed ID: 18054510). This variant is reported in 1.9% of alleles in individuals of Ashkenazi Jewish descent in gnomAD. This variant is interpreted as pathogenic.

Mayo Clinic Laboratories, Mayo Clinic
Classification: Pathogenic. Last evaluated: 2025-01-13. Review status: criteria provided, single submitter. Criteria: ACMG Guidelines, 2015. Collection method: clinical testing. Allele origin: germline. Observed: 2 variant alleles.
Comment: PP3_strong, PP4, PS3, PS4_moderate

Blueprint Genetics
Classification: Pathogenic for ACADS-related disorders. Last evaluated: 2024-09-12. Review status: criteria provided, single submitter. Criteria: ACMG Guidelines, 2015. Collection method: clinical testing. Allele origin: germline. Affected: yes. Observed: 5 variant alleles.

Revvity Omics, Revvity
Classification: Pathogenic for Deficiency of butyryl-CoA dehydrogenase. Last evaluated: 2024-06-07. Review status: criteria provided, single submitter. Criteria: ACMG Guidelines, 2015. Collection method: clinical testing. Allele origin: germline.

Genomic Research Center, Shahid Beheshti University of Medical Sciences
Classification: Pathogenic for Deficiency of butyryl-CoA dehydrogenase. Last evaluated: 2023-12-10. Review status: criteria provided, single submitter. Criteria: ACMG Guidelines, 2015. Collection method: clinical testing. Allele origin: unknown. Affected: yes.

New York Genome Center
Classification: Pathogenic for Deficiency of butyryl-CoA dehydrogenase. Last evaluated: 2023-11-03. Review status: criteria provided, single submitter. Criteria: NYGC Assertion Criteria 2020. Collection method: clinical testing. Allele origin: inherited. Affected: yes. Observed: 1 variant allele, 1 compound heterozygote.
Comment: The c.319C>T variant identified in ACADS is an established Pathogenic variant associated with autosomal recessive SCADD [PMID: 21938826]. It has previously been reported in the homozygous or compound heterozygous state with another pathogenic variant in many individuals with SCADD who show wide variability in clinical and biochemical phenotype [PMID: 21938826, 18054510, 1692038, 21483766 others] and it has been deposited in ClinVar [ClinVar ID: 3826] as Pathogenic by multiple submitters. The c.319C>T variant is observed in 390 alleles (0.06% MAF with 5 homozygotes) in population databases (gnomAD v2.1.1 and v3.1.2, TOPMed Freeze 8), and is most common in the Ashkenazi Jewish population with a frequency of ~1.9%. The c.319C>T variant is located in exon 3 of this 10-exon gene, and is predicted to replace an evolutionary conserved arginine amino acid with cysteine at position 107 of the encoded protein (p.(Arg107Cys)). In silico predictions are in favor of a damaging effect for the p.(Arg107Cys) variant [REVEL = 0.944]; and in vitro studies have demonstrated protein misfolding, reduced activity, and decreased resistance to oxidative stress in cell model systems and cultured patient cells [PMID: 21170680, 21483766]. Based on available evidence, this inherited heterozygous c.319C>T p.(Arg107Cys) variant identified in ACADS is classified as Pathogenic.

Women's Health and Genetics/Laboratory Corporation of America, LabCorp
Classification: Pathogenic for Deficiency of butyryl-CoA dehydrogenase. Last evaluated: 2023-07-13. Review status: criteria provided, single submitter. Criteria: LabCorp Variant Classification Summary - May 2015. Collection method: clinical testing. Allele origin: germline.
Comment: Variant summary: ACADS c.319C>T (p.Arg107Cys) results in a non-conservative amino acid change located in the N-terminal domain (IPR013786) of the encoded protein sequence. Five of five in-silico tools predict a damaging effect of the variant on protein function. The variant allele was found at a frequency of 0.00097 in 219678 control chromosomes, predominantly at a frequency of 0.019 within the Ashkenazi Jewish subpopulation in the gnomAD database, including 2 homozygotes. The available data on variant occurrences in the general population are insufficient to allow any conclusion about variant significance. However, it has been reported in the literature that the high allele frequency in the Ashkenazi Jewish subpopulation suggests the variant may be a founder mutation in this subpopulation (e.g. Tein_2008). c.319C>T has been reported in the literature in mulitple homozygous and compound heterozygous individuals, including at least 10 patients of Ashkenazi Jewish descent, affected with Deficiency Of Butyryl-CoA Dehydrogenase (e.g., Tein_2008, Pedersen_2008). The variant was also identified in several asymptomatic compound heterozygous parents with the same genotypes as their affected children (e.g., Tein_2008). These data indicate that the variant is very likely to be associated with disease, although the variant may have reduced penetrance and results in significant clinical heterogeneity. Several publications report experimental evidence evaluating an impact on protein function, finding that the variant leads to a severe protein folding defect, the inability to produce homotetramers, and increased protein aggregation and chaperone complex formation (e.g., Tein_2008, Schmidt_2011, Pedersen_2008). These studies found that the variant results in approximately 10% of normal enzymatic activity (e.g., Tein_2008, Schmidt_2011). Additional experimental studies also suggest an oxidative imbalance may be necessary prior to the manifestation of clinical symptoms (e.g., Zolkipli_2011). The following publications have been ascertained in the context of this evaluation (PMID: 18523805, 21170680, 18054510, 21483766). Fourteen submitters have reported clinical-significance assessments for this variant to ClinVar after 2014. Thirteen submitters classified the variant as pathogenic, while one submitter classified the variant as VUS. Based on the evidence outlined above, the variant was classified as pathogenic.

Department of Pathology and Laboratory Medicine, Sinai Health System
Classification: Pathogenic for short chain acyl-CoA dehydrogenase deficiency. Last evaluated: 2023-03-20. Review status: criteria provided, single submitter. Criteria: ACMG Guidelines, 2015. Collection method: research. Allele origin: germline.

Genome-Nilou Lab
Classification: Pathogenic for Deficiency of butyryl-CoA dehydrogenase. Last evaluated: 2021-11-07. Review status: criteria provided, single submitter. Criteria: ACMG Guidelines, 2015. Collection method: clinical testing. Allele origin: germline. Affected: no.